The following is an entry in ClinVar:

NM_000265.7(NCF1):c.295= (p.Ser99=)

Genes: NCF1 (neutrophil cytosolic factor 1; plus strand), LOC106029312 (Williams-Beuren syndrome medial block B recombination region; plus strand). Cytogenetic location: 7q11.23.
Variant type: single nucleotide variant.
Coding change: c.295= on transcript NM_000265.7 (MANE Select); coding-DNA position 295, no change from the reference sequence.
Protein change: p.Ser99=; no amino-acid change (serine 99 retained).
Molecular consequence: no sequence alteration.
Genome position: GRCh38 VCF-style: chr7-74779322-A-A. GRCh37 (hg19) VCF-style: chr7-74193668-G-A.
Identifiers: ClinVar variation 403221 (VCV000403221.9), dbSNP rs10614.

ClinVar aggregate classification (germline): Benign/Likely benign. Review status: criteria provided, multiple submitters, no conflicts (2 of 4 stars). 5 submissions from 5 submitters: Benign (4); Likely benign (1). Last evaluated 2024-12-12.

Allele frequency attached by ClinVar (database versions not stated): 1000 Genomes Project 30x 0.79919; gnomAD exomes 0.88687.

Submissions (5):

Labcorp Genetics (formerly Invitae), Labcorp
Classification: Benign. Last evaluated: 2024-12-12. Review status: criteria provided, single submitter. Criteria: Invitae Variant Classification Sherloc (09022015). Collection method: clinical testing. Allele origin: germline.

Blueprint Genetics
Classification: Likely benign. Last evaluated: 2024-11-27. Review status: criteria provided, single submitter. Criteria: ACMG Guidelines, 2015. Collection method: clinical testing. Allele origin: germline.

Women's Health and Genetics/Laboratory Corporation of America, LabCorp
Classification: Benign. Last evaluated: 2021-12-03. Review status: criteria provided, single submitter. Criteria: LabCorp Variant Classification Summary - May 2015. Collection method: clinical testing. Allele origin: germline.

Laboratory for Molecular Medicine, Mass General Brigham Personalized Medicine
Classification: Benign. Last evaluated: 2016-03-28. Review status: criteria provided, single submitter. Criteria: LMM Criteria. Collection method: clinical testing. Allele origin: germline.
Comment: Variant identified in a genome or exome case(s) and assessed due to predicted null impact of the variant or pathogenic assertions in the literature or databases. Disclaimer: This variant has not undergone full assessment. The following are preliminary notes: Frequency

Breakthrough Genomics
Classification: Benign. Review status: criteria provided, single submitter. Criteria: ACMG Guidelines, 2015. Collection method: not provided. Allele origin: germline. Inheritance: Autosomal recessive inheritance. Affected: yes.